The following is an entry in ClinVar:

NM_006231.4(POLE):c.2219A>G (p.Glu740Gly)

Gene: POLE (DNA polymerase epsilon, catalytic subunit; minus strand). Cytogenetic location: 12q24.33.
Variant type: single nucleotide variant.
Coding change: c.2219A>G on transcript NM_006231.4 (MANE Select); coding-DNA position 2219, A replaced by G.
Protein change: p.Glu740Gly; replaces glutamic acid 740 with glycine.
Molecular consequence: missense variant.
Genome position (GRCh38, 1-based): chr12:132,667,603, T>C on the plus strand (A>G on the coding strand, the complement: POLE is on the minus strand). VCF-style: chr12-132667603-T-C. GRCh37 (hg19) VCF-style: chr12-133244189-T-C.
Other names: short protein forms E740G.
Identifiers: ClinVar variation 3716659 (VCV003716659.2).

ClinVar aggregate classification (germline): Uncertain significance (1 of 4 stars; one submission).

Submission:

Labcorp Genetics (formerly Invitae), Labcorp
Classification: Uncertain significance. Last evaluated: 2024-12-18. Review status: criteria provided, single submitter. Criteria: Invitae Variant Classification Sherloc (09022015). Collection method: clinical testing. Allele origin: germline.
Comment: This sequence change replaces glutamic acid, which is acidic and polar, with glycine, which is neutral and non-polar, at codon 740 of the POLE protein (p.Glu740Gly). This variant is not present in population databases (gnomAD no frequency). This variant has not been reported in the literature in individuals affected with POLE-related conditions. Invitae Evidence Modeling of protein sequence and biophysical properties (such as structural, functional, and spatial information, amino acid conservation, physicochemical variation, residue mobility, and thermodynamic stability) indicates that this missense variant is not expected to disrupt POLE protein function with a negative predictive value of 80%. In summary, the available evidence is currently insufficient to determine the role of this variant in disease. Therefore, it has been classified as a Variant of Uncertain Significance.